The following is an entry in ClinVar:

NM_198578.4(LRRK2):c.6524A>G (p.Asp2175Gly)

Gene: LRRK2 (leucine rich repeat kinase 2; plus strand). Cytogenetic location: 12q12.
Variant type: single nucleotide variant.
Coding change: c.6524A>G on transcript NM_198578.4 (MANE Select); coding-DNA position 6524, A replaced by G.
Protein change: p.Asp2175Gly; replaces aspartic acid 2175 with glycine.
Molecular consequence: missense variant.
Genome position (GRCh38, 1-based): chr12:40,351,681, A>G. VCF-style: chr12-40351681-A-G. GRCh37 (hg19) VCF-style: chr12-40745483-A-G.
Other names: short protein forms D2175G.
Identifiers: ClinVar variation 2567407 (VCV002567407.2), dbSNP rs2499982254, ClinGen allele CA384407230.

ClinVar aggregate classification (germline): Uncertain significance (1 of 4 stars; one submission).

Conditions:
Inborn genetic diseases. Identifiers: MedGen C0950123, MeSH D030342.

Submission:

Ambry Genetics
Classification: Uncertain significance for Inborn genetic diseases. Last evaluated: 2023-05-18. Review status: criteria provided, single submitter. Criteria: Ambry Variant Classification Scheme 2023. Collection method: clinical testing. Allele origin: germline.
Comment: The p.D2175G variant (also known as c.6524A>G), located in coding exon 44 of the LRRK2 gene, results from an A to G substitution at nucleotide position 6524. The aspartic acid at codon 2175 is replaced by glycine, an amino acid with similar properties. This amino acid position is conserved. In addition, this alteration is predicted to be tolerated by in silico analysis. Since supporting evidence is limited at this time, the clinical significance of this alteration remains unclear.